The following is an entry in ClinVar:

NM_000834.5(GRIN2B):c.1847A>G (p.Asn616Ser)

Gene: GRIN2B (glutamate ionotropic receptor NMDA type subunit 2B; minus strand). Cytogenetic location: 12p13.1.
Variant type: single nucleotide variant.
Coding change: c.1847A>G on transcript NM_000834.5 (MANE Select); coding-DNA position 1847, A replaced by G.
Protein change: p.Asn616Ser; replaces asparagine 616 with serine.
Molecular consequence: missense variant.
Genome position (GRCh38, 1-based): chr12:13,608,766, T>C on the plus strand (A>G on the coding strand, the complement: GRIN2B is on the minus strand). VCF-style: chr12-13608766-T-C. GRCh37 (hg19) VCF-style: chr12-13761700-T-C.
Other names: short protein forms N616S.
Identifiers: ClinVar variation 843669 (VCV000843669.11), dbSNP rs1949321492, ClinGen allele CA384051216.

ClinVar aggregate classification (germline): Pathogenic/Likely pathogenic. Review status: criteria provided, multiple submitters, no conflicts (2 of 4 stars). 2 submissions from 2 submitters: Pathogenic (1); Likely pathogenic (1). Last evaluated 2025-05-26.

Conditions:
Intellectual developmental disorder, autosomal dominant 6, with or without seizures. Also called: Intellectual disability, autosomal dominant 6; GRIN2B-related developmental delay, intellectual disability and autism spectrum disorder. Identifiers: Orphanet 589547, MedGen C3151411, MONDO:0013509, OMIM 613970.
Developmental and epileptic encephalopathy, 27 (DEE27). Also called: GRIN2B-Related Neurodevelopmental Disorder; Epileptic encephalopathy, early infantile, 27. Identifiers: Orphanet 3451, MedGen C4015316, MONDO:0014505, OMIM 616139.

Submissions (2):

Institute of Human Genetics, University of Leipzig Medical Center
Classification: Pathogenic for Intellectual developmental disorder, autosomal dominant 6, with or without seizures. Last evaluated: 2025-05-26. Review status: criteria provided, single submitter. Criteria: ACMG Guidelines, 2015. Collection method: clinical testing. Allele origin: unknown. Inheritance: Autosomal dominant inheritance. Affected: yes.
Comment: Criteria applied: PS1, PS2, PS3, PM1, PM5, PM2_SUP, PP2

Labcorp Genetics (formerly Invitae), Labcorp
Classification: Likely pathogenic for Developmental and epileptic encephalopathy, 27; Intellectual developmental disorder, autosomal dominant 6, with or without seizures. Last evaluated: 2020-03-05. Review status: criteria provided, single submitter. Criteria: Invitae Variant Classification Sherloc (09022015). Collection method: clinical testing. Allele origin: germline.
Comment: This sequence change replaces asparagine with serine at codon 616 of the GRIN2B protein (p.Asn616Ser). The asparagine residue is highly conserved and there is a small physicochemical difference between asparagine and serine. This variant is not present in population databases (ExAC no frequency). This variant has been observed to be de novo in an individual affected with clinical features of early infantile epileptic encephalopathy (Invitae). Algorithms developed to predict the effect of missense changes on protein structure and function are either unavailable or do not agree on the potential impact of this missense change (SIFT: "Tolerated"; PolyPhen-2: "Probably Damaging"; Align-GVGD: "Class C0"). Algorithms developed to predict the effect of sequence changes on RNA splicing suggest that this variant may create or strengthen a splice site, but this prediction has not been confirmed by published transcriptional studies. In summary, the currently available evidence indicates that the variant is pathogenic, but additional data are needed to prove that conclusively. Therefore, this variant has been classified as Likely Pathogenic.